The following is an entry in ClinVar:

NM_025233.7(COASY):c.876T>A (p.Tyr292Ter)

Gene: COASY (Coenzyme A synthase; plus strand). Cytogenetic location: 17q21.2.
Variant type: single nucleotide variant.
Coding change: c.876T>A on transcript NM_025233.7 (MANE Select); coding-DNA position 876, T replaced by A.
Protein change: p.Tyr292Ter; replaces tyrosine 292 with a stop codon.
Molecular consequence: nonsense.
Genome position (GRCh38, 1-based): chr17:42,564,136, T>A. VCF-style: chr17-42564136-T-A. GRCh37 (hg19) VCF-style: chr17-40716154-T-A.
Other names: c.876T>A, p.Tyr292Ter (NM_001042529.3); c.963T>A, p.Tyr321Ter (NM_001042532.4); short protein forms Y321*, Y292*.
Identifiers: ClinVar variation 664943 (VCV000664943.9), dbSNP rs1597713743, ClinGen allele CA399595783.
Genomic context (GRCh38, chr17:42,564,136, plus strand): 5'-CTATGGGCCCGCTGGCTCTGACCCCTCCCTGGAGTTCCTGGTGGTCAGCGAGGAGACCTA[T>A]CGTGGGGGGATGGCCATCAACCGCTTCCGCCTTGAGAATGTAACCCCTGAGGGAGACTGG-3'

ClinVar aggregate classification (germline): Pathogenic (1 of 4 stars; one submission).

Conditions:
Neurodegeneration with brain iron accumulation 6 (NBIA6). Also called: COASY protein-associated neurodegeneration. Identifiers: Orphanet 397725, MedGen C4517377, MONDO:0014290, OMIM 615643.

Allele frequency attached by ClinVar (database versions not stated): gnomAD exomes below 0.00001.
gnomAD v4.1: 1 of 1,614,010 alleles (0.000062%); highest among the groups gnomAD compares: South Asian, 0.0011%; no homozygotes.

Submission:

Labcorp Genetics (formerly Invitae), Labcorp
Classification: Pathogenic for Neurodegeneration with brain iron accumulation 6. Last evaluated: 2019-09-09. Review status: criteria provided, single submitter. Criteria: Invitae Variant Classification Sherloc (09022015). Collection method: clinical testing. Allele origin: germline.
Comment: For these reasons, this variant has been classified as Pathogenic. Loss-of-function variants in COASY are known to be pathogenic (PMID: 24360804, 30089828). This variant has not been reported in the literature in individuals with COASY-related disease. This variant is not present in population databases (ExAC no frequency). This sequence change creates a premature translational stop signal (p.Tyr292*) in the COASY gene. It is expected to result in an absent or disrupted protein product.

Literature cited by the submitters: PubMed 24360804; PubMed 30089828.